The following is an entry in ClinVar:

ClinVar aggregate classification (germline): Uncertain significance (1 of 4 stars; one submission).

Conditions:
Hereditary insensitivity to pain with anhidrosis (CIPA). Also called: FAMILIAL DYSAUTONOMIA, TYPE II; NEUROPATHY, CONGENITAL SENSORY, WITH ANHIDROSIS; NTRK1 Congenital Insensitivity to Pain with Anhidrosis; INSENSITIVITY TO PAIN, CONGENITAL, WITH ANHIDROSIS; HSAN Type IV; hereditary sensory and autonomic neuropathy type 4. Identifiers: Orphanet 642, MedGen C0020074, MONDO:0009746, OMIM 256800.

Allele frequency attached by ClinVar (database versions not stated): gnomAD exomes below 0.00001; ExAC 0.00001.
gnomAD v4.1: 4 of 1,614,076 alleles (0.00025%); highest among the groups gnomAD compares: Admixed American, 0.0033%; no homozygotes.

Submission:

Labcorp Genetics (formerly Invitae), Labcorp
Classification: Uncertain significance for Hereditary insensitivity to pain with anhidrosis. Last evaluated: 2022-01-28. Review status: criteria provided, single submitter. Criteria: Invitae Variant Classification Sherloc (09022015). Collection method: clinical testing. Allele origin: germline.
Comment: This sequence change falls in intron 7 of the NTRK1 gene. It does not directly change the encoded amino acid sequence of the NTRK1 protein. The frequency data for this variant in the population databases is considered unreliable, as metrics indicate poor data quality at this position in the gnomAD database. This variant has not been reported in the literature in individuals affected with NTRK1-related conditions. Algorithms developed to predict the effect of sequence changes on RNA splicing suggest that this variant may create or strengthen a splice site. In summary, the available evidence is currently insufficient to determine the role of this variant in disease. Therefore, it has been classified as a Variant of Uncertain Significance.

NM_002529.4(NTRK1):c.850+18C>G

Gene: NTRK1 (neurotrophic receptor tyrosine kinase 1; plus strand). Cytogenetic location: 1q23.1.
Variant type: single nucleotide variant.
Coding change: c.850+18C>G on transcript NM_002529.4 (MANE Select); 18 bases into the intron after coding-DNA position 850, C replaced by G.
Molecular consequence: intron variant.
Genome position (GRCh38, 1-based): chr1:156,871,773, C>G. VCF-style: chr1-156871773-C-G. GRCh37 (hg19) VCF-style: chr1-156841565-C-G.
Other names: c.760+18C>G (NM_001007792.1); c.850+18C>G (NM_001012331.2).
Identifiers: ClinVar variation 2053583 (VCV002053583.1), dbSNP rs776037356, ClinGen allele CA1169113.